The following is an entry in ClinVar:

ClinVar aggregate classification (germline): Uncertain significance (1 of 4 stars; one submission).

Submission:

Labcorp Genetics (formerly Invitae), Labcorp
Classification: Uncertain significance. Last evaluated: 2021-06-24. Review status: criteria provided, single submitter. Criteria: Invitae Variant Classification Sherloc (09022015). Collection method: clinical testing. Allele origin: germline.
Comment: This sequence change replaces alanine with serine at codon 281 of the TUBA8 protein (p.Ala281Ser). The alanine residue is highly conserved and there is a moderate physicochemical difference between alanine and serine. This variant is not present in population databases (ExAC no frequency). This variant has not been reported in the literature in individuals with TUBA8-related conditions. Algorithms developed to predict the effect of missense changes on protein structure and function (SIFT, PolyPhen-2, Align-GVGD) all suggest that this variant is likely to be disruptive, but these predictions have not been confirmed by published functional studies and their clinical significance is uncertain. In summary, the available evidence is currently insufficient to determine the role of this variant in disease. Therefore, it has been classified as a Variant of Uncertain Significance.

NM_018943.3(TUBA8):c.841G>T (p.Ala281Ser)

Gene: TUBA8 (tubulin alpha 8; plus strand). Cytogenetic location: 22q11.21.
Variant type: single nucleotide variant.
Coding change: c.841G>T on transcript NM_018943.3 (MANE Select); coding-DNA position 841, G replaced by T.
Protein change: p.Ala281Ser; replaces alanine 281 with serine.
Molecular consequence: missense variant.
Genome position (GRCh38, 1-based): chr22:18,126,819, G>T. VCF-style: chr22-18126819-G-T. GRCh37 (hg19) VCF-style: chr22-18609586-G-T.
Other names: c.643G>T, p.Ala215Ser (NM_001193414.2); short protein forms A215S, A281S.
Identifiers: ClinVar variation 1395473 (VCV001395473.8), dbSNP rs1044580210, ClinGen allele CA410264549.
Genomic context (GRCh38, chr22:18,126,819, plus strand): 5'-CCCTACCCCCGCATCCACTTCCCGCTGGTCACCTACGCGCCCATCATCTCTGCCGAGAAA[G>T]CCTATCACGAACAGCTCTCTGTGGCCGAGATAACCAGCTCCTGCTTTGAGCCCAACAGCC-3'
Protein context (NP_061816.1, residues 271-291): TYAPIISAEK[Ala281Ser]YHEQLSVAEI